The following is an entry in ClinVar:

ClinVar aggregate classification (germline): Likely pathogenic (1 of 4 stars; one submission).

Conditions:
Congenital secretory sodium diarrhea 8. Identifiers: Orphanet 103908, MedGen C5441928, MONDO:0014808, OMIM 616868.

gnomAD v4.1: 8 of 1,612,720 alleles (0.0005%); highest among the groups gnomAD compares: South Asian, 0.0011%; no homozygotes.

Submission:

Aleixo Muise Laboratory, Hospital For Sick Children
Classification: Likely pathogenic for Congenital secretory sodium diarrhea 8. Last evaluated: 2024-07-05. Review status: criteria provided, single submitter. Criteria: ACMG Guidelines, 2015. Collection method: research. Allele origin: germline. Affected: yes. Observed: 1 variant allele.
Comment: PM2;PM3;PP3;PP4

NM_004174.4(SLC9A3):c.650C>T (p.Ser217Leu)

Gene: SLC9A3 (solute carrier family 9 member A3). Cytogenetic location: 5p15.33.
Variant type: single nucleotide variant.
Coding change: c.650C>T on transcript NM_004174.4 (MANE Select); coding-DNA position 650, C replaced by T.
Protein change: p.Ser217Leu; replaces serine 217 with leucine.
Molecular consequence: missense variant.
Genome position (GRCh38, 1-based): chr5:488,341, G>A on the plus strand (C>T on the coding strand, the complement: SLC9A3 is on the minus strand). VCF-style: chr5-488341-G-A. GRCh37 (hg19) VCF-style: chr5-488456-G-A.
Other names: c.650C>T, p.Ser217Leu (NM_001284351.3); short protein forms S217L.
Identifiers: ClinVar variation 3255342 (VCV003255342.1).